The following is an entry in ClinVar:

NM_182914.3(SYNE2):c.13906C>T (p.Arg4636Cys)

Gene: SYNE2 (spectrin repeat containing nuclear envelope protein 2; plus strand). Cytogenetic location: 14q23.2.
Variant type: single nucleotide variant.
Coding change: c.13906C>T on transcript NM_182914.3 (MANE Select); coding-DNA position 13906, C replaced by T.
Protein change: p.Arg4636Cys; replaces arginine 4636 with cysteine.
Molecular consequence: missense variant.
Genome position (GRCh38, 1-based): chr14:64,126,796, C>T. VCF-style: chr14-64126796-C-T. GRCh37 (hg19) VCF-style: chr14-64593514-C-T.
Other names: c.13906C>T, p.Arg4636Cys (NM_015180.6); short protein forms R4636C.
Identifiers: ClinVar variation 470933 (VCV000470933.13), dbSNP rs767673156, ClinGen allele CA261849912.

ClinVar aggregate classification (germline): Conflicting classifications of pathogenicity. Review status: criteria provided, conflicting classifications (1 of 4 stars). 3 submissions from 3 submitters: Uncertain significance (2); Likely benign (1). Last evaluated 2024-10-23.

Conditions:
Emery-Dreifuss muscular dystrophy 5, autosomal dominant (EDMD5). Also called: EMERY-DREIFUSS MUSCULAR DYSTROPHY 5. Identifiers: Orphanet 261, MedGen C2751805, MONDO:0013072, OMIM 612999.

Allele frequency attached by ClinVar (database versions not stated): gnomAD 0.00001; TOPMed 0.00001.
gnomAD v4.1: 32 of 1,611,562 alleles (0.002%); highest among the groups gnomAD compares: Non-Finnish European, 0.0026%; no homozygotes.

Submissions (3):

Labcorp Genetics (formerly Invitae), Labcorp
Classification: Uncertain significance for Emery-Dreifuss muscular dystrophy 5, autosomal dominant. Last evaluated: 2024-10-23. Review status: criteria provided, single submitter. Criteria: Invitae Variant Classification Sherloc (09022015). Collection method: clinical testing. Allele origin: germline.
Comment: This sequence change replaces arginine, which is basic and polar, with cysteine, which is neutral and slightly polar, at codon 4636 of the SYNE2 protein (p.Arg4636Cys). The frequency data for this variant in the population databases is considered unreliable, as metrics indicate poor data quality at this position in the gnomAD database. This variant has not been reported in the literature in individuals affected with SYNE2-related conditions. ClinVar contains an entry for this variant (Variation ID: 470933). An algorithm developed to predict the effect of missense changes on protein structure and function outputs the following: PolyPhen-2: "Benign". The cysteine amino acid residue is found in multiple mammalian species, which suggests that this missense change does not adversely affect protein function. In summary, the available evidence is currently insufficient to determine the role of this variant in disease. Therefore, it has been classified as a Variant of Uncertain Significance.

Ambry Genetics
Classification: Likely benign. Last evaluated: 2024-01-17. Review status: criteria provided, single submitter. Criteria: Ambry Variant Classification Scheme 2023. Collection method: clinical testing. Allele origin: germline.

Illumina Laboratory Services, Illumina
Classification: Uncertain significance for Emery-Dreifuss muscular dystrophy 5, autosomal dominant. Last evaluated: 2018-01-13. Review status: criteria provided, single submitter. Criteria: ICSL Variant Classification Criteria 13 December 2019. Collection method: clinical testing. Allele origin: germline.